The following is an entry in ClinVar:

Single allele

Genes: ALK (ALK receptor tyrosine kinase; minus strand), LOC122756683 (Sharpr-MPRA regulatory region 127; plus strand). Cytogenetic location: 2p23.2.
Variant type: Duplication.
Identifiers: ClinVar variation 470729 (VCV000470729.1).

ClinVar aggregate classification (germline): Uncertain significance (1 of 4 stars; one submission).

Conditions:
Neuroblastoma, susceptibility to, 3. Also called: ALK-Related Neuroblastic Tumor Susceptibility. Identifiers: Orphanet 635, MedGen C2751681, MONDO:0013083, OMIM 613014.

Submission:

Labcorp Genetics (formerly Invitae), Labcorp
Classification: Uncertain significance for Neuroblastoma, susceptibility to, 3. Last evaluated: 2017-04-10. Review status: criteria provided, single submitter. Criteria: Invitae Variant Classification Sherloc (09022015). Collection method: clinical testing. Allele origin: germline.
Comment: This variant is a gross duplication of the genomic region encompassing exons 5 to 29 of the ALK gene. The 5' boundary is likely confined to intron 4. The 3' end of this event is unknown as it extends beyond the assayed region for this gene and therefore may encompass additional genes. This variant has not been reported in the literature in individuals with an ALK-related disease. Experimental studies and prediction algorithms are not available for this variant, and the functional significance of the duplicated amino acids is currently unknown. In summary, the exact genomic location of this variant is unknown and the impact of this duplication on ALK protein function has not been established. Therefore, it has been classified as a Variant of Uncertain Significance.